The following is an entry in ClinVar:

NM_000038.6(APC):c.4621C>T (p.Gln1541Ter)

Gene: APC (APC regulator of Wnt signaling pathway; plus strand). Cytogenetic location: 5q22.2.
Variant type: single nucleotide variant.
Coding change: c.4621C>T on transcript NM_000038.6 (MANE Select); coding-DNA position 4621, C replaced by T.
Protein change: p.Gln1541Ter; replaces glutamine 1541 with a stop codon.
Molecular consequence: nonsense.
Genome position (GRCh38, 1-based): chr5:112,840,215, C>T. VCF-style: chr5-112840215-C-T. GRCh37 (hg19) VCF-style: chr5-112175912-C-T.
Other names: c.4567C>T, p.Gln1523Ter (NM_001127511.3); c.4621C>T, p.Gln1541Ter (NM_001127510.3, NM_001354895.2); c.4675C>T, p.Gln1559Ter (NM_001354896.2); c.4651C>T, p.Gln1551Ter (NM_001354897.2); c.4546C>T, p.Gln1516Ter (NM_001354898.2); c.4537C>T, p.Gln1513Ter (NM_001354899.2); c.4498C>T, p.Gln1500Ter (NM_001354900.2); c.4444C>T, p.Gln1482Ter (NM_001354901.2); and 5 more; short protein forms Q1523*, Q1541*, Q1500*, Q1513*, Q1559*, Q1258*, Q1516*, Q1551*.
Identifiers: ClinVar variation 184934 (VCV000184934.16), dbSNP rs786201801, ClinGen allele CA009662.

ClinVar aggregate classification (germline): Pathogenic. Review status: criteria provided, multiple submitters, no conflicts (2 of 4 stars). 3 submissions from 3 submitters: Pathogenic (3). Last evaluated 2023-12-08.

Conditions:
Hereditary cancer-predisposing syndrome. Also called: Hereditary neoplastic syndrome; Neoplastic Syndromes, Hereditary; Tumor predisposition; Hereditary Cancer Syndrome. Identifiers: Orphanet 140162, MedGen C0027672, MeSH D009386, MONDO:0015356.
Familial adenomatous polyposis 1 (FAP1). Also called: FAMILIAL ADENOMATOUS POLYPOSIS 1, ATTENUATED; POLYPOSIS, ADENOMATOUS INTESTINAL. Identifiers: MedGen C2713442, MONDO:0021056, OMIM 175100. Disease mechanism: loss of function.

Submissions (3):

Labcorp Genetics (formerly Invitae), Labcorp
Classification: Pathogenic for Familial adenomatous polyposis 1. Last evaluated: 2023-12-08. Review status: criteria provided, single submitter. Criteria: Invitae Variant Classification Sherloc (09022015). Collection method: clinical testing. Allele origin: germline.
Comment: This sequence change creates a premature translational stop signal (p.Gln1541*) in the APC gene. While this is not anticipated to result in nonsense mediated decay, it is expected to disrupt the last 1303 amino acid(s) of the APC protein. This variant is not present in population databases (gnomAD no frequency). This premature translational stop signal has been observed in individual(s) with familial adenomatous polyposis (PMID: 11247896, 14961559, 20685668). ClinVar contains an entry for this variant (Variation ID: 184934). This variant is expected to disrupt the EB1 and HDLG binding sites, which mediate interactions with the cytoskeleton (PMID: 15311282, 17293347). While functional studies have not been performed to directly test the effect on APC protein function, this suggests that disruption of the C-terminal portion of the protein is functionally important. A different truncation (p.Tyr2645Lysfs*14) that lies downstream of this variant has been determined to be pathogenic (PMID: 9824584, 1316610, 27081525, 8381579, 22135120, Invitae). This suggests that deletion of this region of the APC protein is causative of disease. For these reasons, this variant has been classified as Pathogenic.

Myriad Genetics, Inc.
Classification: Pathogenic for Familial adenomatous polyposis 1. Last evaluated: 2023-05-11. Review status: criteria provided, single submitter. Criteria: Myriad Autosomal Dominant, Autosomal Recessive and X-Linked Classification Criteria (2023). Collection method: clinical testing. Allele origin: unknown.
Comment: This variant is considered pathogenic. This variant creates a termination codon and is predicted to result in premature protein truncation.

Ambry Genetics
Classification: Pathogenic for Hereditary cancer-predisposing syndrome. Last evaluated: 2022-07-28. Review status: criteria provided, single submitter. Criteria: Ambry Variant Classification Scheme 2023. Collection method: clinical testing. Allele origin: germline.
Comment: The p.Q1541* pathogenic mutation (also known as c.4621C>T) located in coding exon 15 of the APC gene, results from a C to T substitution at nucleotide position 4621. This changes the amino acid from a glutamine to a stop codon within coding exon 15. This alteration has been reported in multiple unrelated individuals with FAP or suspected FAP (De Rosa M et al. Hum. Mutat. 2003 Jun;21(6):655-6; Friedl W et al. Hered Cancer Clin Pract 2005;3(3):95-114; Lagarde A et al. J. Med. Genet. 2010 Oct;47(10):721-2). In addition to the clinical data presented in the literature, this alteration is expected to result in loss of function by premature protein truncation. As such, this alteration is interpreted as a disease-causing mutation.

Literature cited by the submitters: PubMed 11247896 (cited by Labcorp Genetics (formerly Invitae), Labcorp); PubMed 14961559 (cited by Labcorp Genetics (formerly Invitae), Labcorp and Ambry Genetics); PubMed 20685668 (cited by Labcorp Genetics (formerly Invitae), Labcorp and Ambry Genetics); PubMed 15311282 (cited by Labcorp Genetics (formerly Invitae), Labcorp); PubMed 17293347 (cited by Labcorp Genetics (formerly Invitae), Labcorp); PubMed 9824584 (cited by Labcorp Genetics (formerly Invitae), Labcorp); PubMed 1316610 (cited by Labcorp Genetics (formerly Invitae), Labcorp); PubMed 27081525 (cited by Labcorp Genetics (formerly Invitae), Labcorp); PubMed 8381579 (cited by Labcorp Genetics (formerly Invitae), Labcorp); PubMed 22135120 (cited by Labcorp Genetics (formerly Invitae), Labcorp); PubMed 20223039 (cited by Ambry Genetics); PubMed 25832318 (cited by Ambry Genetics).